The following is an entry in ClinVar:

NM_001401501.2(MUC16):c.39260G>A (p.Gly13087Glu)

Gene: MUC16 (mucin 16, cell surface associated; minus strand). Cytogenetic location: 19p13.2.
Variant type: single nucleotide variant.
Coding change: c.39260G>A on transcript NM_001401501.2 (MANE Select); coding-DNA position 39260, G replaced by A.
Protein change: p.Gly13087Glu; replaces glycine 13087 with glutamic acid.
Molecular consequence: missense variant.
Genome position (GRCh38, 1-based): chr19:8,898,976, C>T on the plus strand (G>A on the coding strand, the complement: MUC16 is on the minus strand). VCF-style: chr19-8898976-C-T. GRCh37 (hg19) VCF-style: chr19-9009652-C-T.
Other names: c.39686G>A, p.Gly13229Glu (NM_001414686.1); c.39140G>A, p.Gly13047Glu (NM_001414687.1); c.39074G>A, p.Gly13025Glu (NM_024690.2); short protein forms G13025E, G13047E, G13087E, G13229E.
Identifiers: ClinVar variation 3059910 (VCV003059910.2), dbSNP rs796671806, ClinGen allele CA305080982.
Genomic context (GRCh38, chr19:8,898,976, plus strand): 5'-CCCTGCAGGACCCTCTCTGTGGTGTTGAACTTCCTGGAGCCAGGGTGACGCATGTCCTCC[C>T]CATACTGCAGATTGGTGATGGTAAAGTTGAGGGTGAACGGCACCAGGAGAGGAACAGCTG-3'
Protein context (NP_001388430.1, residues 13077-13097): LNFTITNLQY[Gly13087Glu]EDMRHPGSRK

ClinVar aggregate classification (germline): Benign (0 of 4 stars; one submission).

Conditions:
MUC16-related disorder. Also called: MUC16-related condition.

Submission:

PreventionGenetics, part of Exact Sciences
Classification: Benign for MUC16-related condition. Last evaluated: 2019-10-18. Review status: no assertion criteria provided. Collection method: clinical testing. Allele origin: germline.
Comment: This variant is classified as benign based on ACMG/AMP sequence variant interpretation guidelines (Richards et al. 2015 PMID: 25741868, with internal and published modifications).